The following is an entry in ClinVar:

NM_001849.4(COL6A2):c.2582G>A (p.Arg861Gln)

Gene: COL6A2 (collagen type VI alpha 2 chain; plus strand). Cytogenetic location: 21q22.3.
Variant type: single nucleotide variant.
Coding change: c.2582G>A on transcript NM_001849.4 (MANE Select); coding-DNA position 2582, G replaced by A.
Protein change: p.Arg861Gln; replaces arginine 861 with glutamine.
Molecular consequence: missense variant.
Genome position (GRCh38, 1-based): chr21:46,132,074, G>A. VCF-style: chr21-46132074-G-A. GRCh37 (hg19) VCF-style: chr21-47551988-G-A.
Other names: p.Arg861Gln; short protein forms R861Q.
Identifiers: ClinVar variation 281054 (VCV000281054.25), dbSNP rs373813975, ClinGen allele CA10072935.

ClinVar aggregate classification (germline): Conflicting classifications of pathogenicity. Review status: criteria provided, conflicting classifications (1 of 4 stars). 7 submissions from 7 submitters: Uncertain significance (2); Benign (1); Likely benign (4). Last evaluated 2026-03-12.

Conditions:
COL6A2-related disorder.
Congenital myopathy. Identifiers: Orphanet 97245, MedGen C0270960, MONDO:0019952.
Collagen 6-related myopathy. Identifiers: MedGen CN117976, MONDO:0100225.
Bethlem myopathy 1A. Also called: Bethlem Muscular Dystrophy; MYOPATHY, BENIGN CONGENITAL, WITH CONTRACTURES; Bethlem myopathy 1. Identifiers: Orphanet 610, MedGen CN029274, MONDO:0024530, OMIM 158810.

Allele frequency attached by ClinVar (database versions not stated): gnomAD 0.00007 and 0.00009; ESP Exome Variant Server 0.00008; gnomAD exomes 0.00010 and 0.00031; TOPMed 0.00012; 1000 Genomes Project 30x 0.00031; 1000 Genomes Project 0.00040; ExAC 0.00045.
gnomAD v4.1: 167 of 1,603,266 alleles (0.01%); highest among the groups gnomAD compares: East Asian, 0.083%; no homozygotes.

Submissions (7):

PreventionGenetics, part of Exact Sciences
Classification: Likely benign for COL6A2-related condition. Last evaluated: 2026-03-12. Review status: criteria provided, single submitter. Criteria: ACMG Guidelines, 2015. Collection method: clinical testing. Allele origin: germline.
Comment: This variant is classified as likely benign based on ACMG/AMP sequence variant interpretation guidelines (Richards et al. 2015 PMID: 25741868, with internal and published modifications).

Labcorp Genetics (formerly Invitae), Labcorp
Classification: Likely benign for Bethlem myopathy 1A. Last evaluated: 2026-01-25. Review status: criteria provided, single submitter. Criteria: Invitae Variant Classification Sherloc (09022015). Collection method: clinical testing. Allele origin: germline.

Revvity Omics, Revvity
Classification: Likely benign. Last evaluated: 2025-05-08. Review status: criteria provided, single submitter. Criteria: ACMG Guidelines, 2015. Collection method: clinical testing. Allele origin: germline.

Mayo Clinic Laboratories, Mayo Clinic
Classification: Likely benign. Last evaluated: 2025-05-01. Review status: criteria provided, single submitter. Criteria: ACMG Guidelines, 2015. Collection method: clinical testing. Allele origin: germline. Observed: 1 variant allele.
Comment: BS1, BP4_moderate

Cambridge Genomics Laboratory, East Genomic Laboratory Hub, NHS Genomic Medicine Service
Classification: Uncertain significance for Congenital myopathy. Last evaluated: 2019-04-17. Review status: criteria provided, single submitter. Criteria: ACGS Best Practice Guidelines for Variant Classification in Rare Disease 2020. Collection method: clinical testing. Allele origin: germline. Affected: yes. Observed: 1 variant allele.

Illumina Laboratory Services, Illumina
Classification: Benign for Collagen VI-related myopathy. Last evaluated: 2018-01-13. Review status: criteria provided, single submitter. Criteria: ICSL Variant Classification Criteria 13 December 2019. Collection method: clinical testing. Allele origin: germline.
Comment: This variant was observed in the ICSL laboratory as part of a predisposition screen in an ostensibly healthy population. It had not been previously curated by ICSL or reported in the Human Gene Mutation Database (HGMD: prior to June 1st, 2018), and was therefore a candidate for classification through an automated scoring system. Utilizing variant allele frequency, disease prevalence and penetrance estimates, and inheritance mode, an automated score was calculated to assess if this variant is too frequent to cause the disease. Based on the score and internal cut-off values, a variant classified as benign is not then subjected to further curation. The score for this variant resulted in a classification of benign for this disease.

Eurofins Ntd Llc (ga)
Classification: Uncertain significance. Last evaluated: 2018-01-12. Review status: criteria provided, single submitter. Criteria: EGL Classification Definitions 2015. Collection method: clinical testing. Allele origin: germline. Observed: 6 variant alleles, 6 heterozygotes.